The following is an entry in ClinVar:

ClinVar aggregate classification (germline): Uncertain significance (1 of 4 stars; one submission).

Conditions:
Dilated cardiomyopathy 1G (CMD1G). Identifiers: Orphanet 154, MedGen C1858763, MONDO:0011400, OMIM 604145.
Autosomal recessive limb-girdle muscular dystrophy type 2J (LGMDR10). Also called: Limb-girdle muscular dystrophy, type 2J; MUSCULAR DYSTROPHY, LIMB-GIRDLE, AUTOSOMAL RECESSIVE 10. Identifiers: Orphanet 140922, MedGen C1837342, MONDO:0012127, OMIM 608807.

Submission:

Labcorp Genetics (formerly Invitae), Labcorp
Classification: Uncertain significance for Dilated cardiomyopathy 1G; Autosomal recessive limb-girdle muscular dystrophy type 2J. Last evaluated: 2021-07-29. Review status: criteria provided, single submitter. Criteria: Invitae Variant Classification Sherloc (09022015). Collection method: clinical testing. Allele origin: germline.
Comment: This variant is a gross deletion of the genomic region encompassing exon(s) 225-242 of the TTN gene. This variant would be expected to be in-frame, preserving the integrity of the reading frame. This variant has not been reported in the literature in individuals affected with TTN-related conditions. This variant disrupts the I band(s) of TTN (PMID: 25589632). Copy number variants in TTN have been previously reported in individuals affected with neuromuscular disorders (PMID: 29792937, 30238059), but the functional significance of this variant is currently unknown. In summary, the available evidence is currently insufficient to determine the role of this variant in disease. Therefore, it has been classified as a Variant of Uncertain Significance.

Literature cited by the submitters: PubMed 25589632; PubMed 29792937; PubMed 30238059.

NC_000002.11:g.(?_179489182)_(179501536_?)del

Gene: TTN (titin; minus strand). Cytogenetic location: 2q31.2.
Variant type: Deletion.
Identifiers: ClinVar variation 1511591 (VCV001511591.7).